The following is an entry in ClinVar:

NM_015215.4(CAMTA1):c.353G>C (p.Arg118Thr)

Gene: CAMTA1 (calmodulin binding transcription activator 1; plus strand). Cytogenetic location: 1p36.23.
Variant type: single nucleotide variant.
Coding change: c.353G>C on transcript NM_015215.4 (MANE Select); coding-DNA position 353, G replaced by C.
Protein change: p.Arg118Thr; replaces arginine 118 with threonine.
Molecular consequence: missense variant.
Genome position (GRCh38, 1-based): chr1:7,249,541, G>C. VCF-style: chr1-7249541-G-C. GRCh37 (hg19) VCF-style: chr1-7309601-G-C.
Other names: c.263G>C, p.Arg88Thr (NM_001349608.2, NM_001349612.2); c.353G>C, p.Arg118Thr (NM_001349609.2, NM_001349610.2, NM_001410737.1 and 1 more transcripts); short protein forms R118T, R88T.
Identifiers: ClinVar variation 4278902 (VCV004278902.1).

ClinVar aggregate classification (germline): Uncertain significance (1 of 4 stars; one submission).

Submission:

GeneDx
Classification: Uncertain significance. Last evaluated: 2025-04-04. Review status: criteria provided, single submitter. Criteria: GeneDx Variant Classification Process June 2021. Collection method: clinical testing. Allele origin: germline. Affected: yes.
Comment: Not observed at significant frequency in large population cohorts (gnomAD); In silico analysis supports that this missense variant has a deleterious effect on protein structure/function; Has not been previously published as pathogenic or benign to our knowledge